The following is an entry in ClinVar:

ClinVar aggregate classification (germline): Uncertain significance (1 of 4 stars; one submission).

Allele frequency attached by ClinVar (database versions not stated): gnomAD 0.00001; ExAC 0.00002; TOPMed 0.00002; gnomAD exomes 0.00003.
gnomAD v4.1: 16 of 1,605,586 alleles (0.001%); highest among the groups gnomAD compares: Admixed American, 0.027%; no homozygotes.

Submission:

Labcorp Genetics (formerly Invitae), Labcorp
Classification: Uncertain significance. Last evaluated: 2022-08-10. Review status: criteria provided, single submitter. Criteria: Invitae Variant Classification Sherloc (09022015). Collection method: clinical testing. Allele origin: germline.
Comment: This sequence change falls in intron 7 of the DNAJB13 gene. It does not directly change the encoded amino acid sequence of the DNAJB13 protein. It affects a nucleotide within the consensus splice site. This variant is present in population databases (rs775907633, gnomAD 0.04%). This variant has not been reported in the literature in individuals affected with DNAJB13-related conditions. Variants that disrupt the consensus splice site are a relatively common cause of aberrant splicing (PMID: 17576681, 9536098). Algorithms developed to predict the effect of sequence changes on RNA splicing suggest that this variant is not likely to affect RNA splicing. In summary, the available evidence is currently insufficient to determine the role of this variant in disease. Therefore, it has been classified as a Variant of Uncertain Significance.

Literature cited by the submitters: PubMed 17576681; PubMed 9536098.

NM_153614.4(DNAJB13):c.798-3C>T

Gene: DNAJB13 (DnaJ heat shock protein family (Hsp40) member B13; plus strand). Cytogenetic location: 11q13.4.
Variant type: single nucleotide variant.
Coding change: c.798-3C>T on transcript NM_153614.4 (MANE Select); 3 bases into the intron before coding-DNA position 798, C replaced by T.
Molecular consequence: intron variant.
Genome position (GRCh38, 1-based): chr11:73,969,958, C>T. VCF-style: chr11-73969958-C-T. GRCh37 (hg19) VCF-style: chr11-73681003-C-T.
Other names: c.624-3C>T (NM_001377263.1).
Identifiers: ClinVar variation 1981437 (VCV001981437.1), dbSNP rs775907633, ClinGen allele CA6180907.